The following is an entry in ClinVar:

ClinVar aggregate classification (germline): Conflicting classifications of pathogenicity. Review status: criteria provided, conflicting classifications (1 of 4 stars). 5 submissions from 5 submitters: Uncertain significance (3); Likely benign (1). 1 of the submissions does not count toward it. Last evaluated 2026-06-18.

Conditions:
PCNT-related disorder. Also called: PCNT-related condition.

Allele frequency attached by ClinVar (database versions not stated): ESP Exome Variant Server 0.00069; TOPMed 0.00075; 1000 Genomes Project 0.00100; 1000 Genomes Project 30x 0.00109.
gnomAD v4.1: 173 of 1,613,858 alleles (0.011%); highest among the groups gnomAD compares: African/African-American, 0.18%; no homozygotes.

Submissions (5):

Women's Health and Genetics/Laboratory Corporation of America, LabCorp
Classification: Uncertain significance. Last evaluated: 2026-06-18. Review status: criteria provided, single submitter. Criteria: LabCorp Variant Classification Summary - May 2015. Collection method: clinical testing. Allele origin: germline.
Comment: Variant summary: PCNT c.3481G>A (p.Ala1161Thr) results in a non-conservative amino acid change in the encoded protein sequence. Algorithms developed to predict the effect of missense changes on protein structure and function are either unavailable or do not agree on the potential impact of this missense change. The variant allele was found at a frequency of 0.00018 in 250922 control chromosomes. This frequency is not significantly higher than estimated for disease-causing variants in PCNT, allowing no conclusion about variant significance. To our knowledge, no occurrence of c.3481G>A in individuals affected with PCNT-related conditions and no experimental evidence demonstrating its impact on protein function have been reported. ClinVar contains an entry for this variant (Variation ID: 1218060). Based on the evidence outlined above, the variant was classified as uncertain significance.

Blueprint Genetics
Classification: Uncertain significance. Last evaluated: 2024-06-11. Review status: criteria provided, single submitter. Criteria: ACMG Guidelines, 2015. Collection method: clinical testing. Allele origin: germline.

Labcorp Genetics (formerly Invitae), Labcorp
Classification: Uncertain significance. Last evaluated: 2022-10-24. Review status: criteria provided, single submitter. Criteria: Invitae Variant Classification Sherloc (09022015). Collection method: clinical testing. Allele origin: germline.
Comment: This sequence change replaces alanine, which is neutral and non-polar, with threonine, which is neutral and polar, at codon 1161 of the PCNT protein (p.Ala1161Thr). This variant is present in population databases (rs150279909, gnomAD 0.2%). This variant has not been reported in the literature in individuals affected with PCNT-related conditions. ClinVar contains an entry for this variant (Variation ID: 1218060). Algorithms developed to predict the effect of missense changes on protein structure and function output the following: SIFT: "Tolerated"; PolyPhen-2: "Benign"; Align-GVGD: "Class C0". The threonine amino acid residue is found in multiple mammalian species, which suggests that this missense change does not adversely affect protein function. In summary, the available evidence is currently insufficient to determine the role of this variant in disease. Therefore, it has been classified as a Variant of Uncertain Significance.

GeneDx
Classification: Likely benign. Last evaluated: 2020-11-20. Review status: criteria provided, single submitter. Criteria: GeneDx Variant Classification Process June 2021. Collection method: clinical testing. Allele origin: germline. Affected: yes.

PreventionGenetics, part of Exact Sciences
Classification: Likely benign for PCNT-related condition. Last evaluated: 2022-02-02. Review status: no assertion criteria provided. Collection method: clinical testing. Allele origin: germline. Not counted in ClinVar's aggregate classification.
Comment: This variant is classified as likely benign based on ACMG/AMP sequence variant interpretation guidelines (Richards et al. 2015 PMID: 25741868, with internal and published modifications).

NM_006031.6(PCNT):c.3481G>A (p.Ala1161Thr)

Gene: PCNT (pericentrin; plus strand). Cytogenetic location: 21q22.3.
Variant type: single nucleotide variant.
Coding change: c.3481G>A on transcript NM_006031.6 (MANE Select); coding-DNA position 3481, G replaced by A.
Protein change: p.Ala1161Thr; replaces alanine 1161 with threonine.
Molecular consequence: missense variant.
Genome position (GRCh38, 1-based): chr21:46,388,758, G>A. VCF-style: chr21-46388758-G-A. GRCh37 (hg19) VCF-style: chr21-47808673-G-A.
Other names: c.3127G>A, p.Ala1043Thr (NM_001315529.2); short protein forms A1043T, A1161T.
Identifiers: ClinVar variation 1218060 (VCV001218060.9), dbSNP rs150279909, ClinGen allele CA10079335.